The following is an entry in ClinVar:

ClinVar aggregate classification (germline): Pathogenic (1 of 4 stars; one submission).

Conditions:
Familial hemophagocytic lymphohistiocytosis 5. Also called: STXBP2-Related Familial Hemophagocytic Lymphohistiocytosis (STXBP2-fHLH). Identifiers: Orphanet 540, MedGen C2751293, MONDO:0013135, OMIM 613101.

Allele frequency attached by ClinVar (database versions not stated): TOPMed 0.00001.

Submission:

Labcorp Genetics (formerly Invitae), Labcorp
Classification: Pathogenic for Familial hemophagocytic lymphohistiocytosis 5. Last evaluated: 2025-04-14. Review status: criteria provided, single submitter. Criteria: Invitae Variant Classification Sherloc (09022015). Collection method: clinical testing. Allele origin: germline.
Comment: This sequence change creates a premature translational stop signal (p.Lys24Argfs*29) in the STXBP2 gene. It is expected to result in an absent or disrupted protein product. Loss-of-function variants in STXBP2 are known to be pathogenic (PMID: 19804848, 22451424). This variant is not present in population databases (gnomAD no frequency). This variant has not been reported in the literature in individuals affected with STXBP2-related conditions. ClinVar contains an entry for this variant (Variation ID: 2034454). Algorithms developed to predict the effect of sequence changes on RNA splicing suggest that this variant may disrupt the consensus splice site. For these reasons, this variant has been classified as Pathogenic.

Literature cited by the submitters: PubMed 19804848; PubMed 22451424.

NM_006949.4(STXBP2):c.71_72del (p.Lys24fs)

Gene: STXBP2 (syntaxin binding protein 2; plus strand). Cytogenetic location: 19p13.2.
Variant type: Deletion.
Coding change: c.71_72del on transcript NM_006949.4 (MANE Select); coding-DNA positions 71 to 72, 2 bases deleted (AG; older notation c.71_72delAG).
Protein change: p.Lys24fs; shifts the reading frame from lysine 24.
Molecular consequence: frameshift variant. On other transcripts: non-coding transcript variant (1).
Genome position (GRCh38, 1-based): chr19:7,638,759-7,638,760, AG deleted. VCF-style (leftmost placement, unchanged base first): chr19-7638758-AAG-A. GRCh37 (hg19) VCF-style: chr19-7703644-AAG-A.
Other names: c.71_72del, p.Lys24fs (NM_001127396.3, NM_001272034.2); c.-26_-25delAG (NM_001414484.1); short protein forms K24fs.
Identifiers: ClinVar variation 2034454 (VCV002034454.4), dbSNP rs953725612, ClinGen allele CA304903269.
Genomic context (GRCh38, chr19:7,638,758, plus strand): 5'-TCTGACCCCTCCCCTCCCTTCCCTGCAGAAATTCTGAGCGGAGTTATTCGGAGTGTCAAG[AAG>A]GATGGGGAGTGGAAGGTAGGGGTGAGGCAGATGGCTGGGTACCCAGAGGCAGCTCATCAT-3'